The following is an entry in ClinVar:

NM_024675.4(PALB2):c.2827G>A (p.Glu943Lys)

Gene: PALB2 (partner and localizer of BRCA2; minus strand). Cytogenetic location: 16p12.2.
Variant type: single nucleotide variant.
Coding change: c.2827G>A on transcript NM_024675.4 (MANE Select); coding-DNA position 2827, G replaced by A.
Protein change: p.Glu943Lys; replaces glutamic acid 943 with lysine.
Molecular consequence: missense variant.
Genome position (GRCh38, 1-based): chr16:23,624,016, C>T on the plus strand (G>A on the coding strand, the complement: PALB2 is on the minus strand). VCF-style: chr16-23624016-C-T. GRCh37 (hg19) VCF-style: chr16-23635337-C-T.
Other names: short protein forms E943K.
Identifiers: ClinVar variation 629080 (VCV000629080.10), dbSNP rs1567214295, ClinGen allele CA395144808.

ClinVar aggregate classification (germline): Uncertain significance. Review status: criteria provided, multiple submitters, no conflicts (2 of 4 stars). 5 submissions from 5 submitters: Uncertain significance (5). Last evaluated 2025-02-26.

Conditions:
Fanconi anemia complementation group N. Also called: PALB2-Related Fanconi Anemia. Identifiers: Orphanet 84, MedGen C1835817, MONDO:0012565, OMIM 610832. Disease mechanism: loss of function.
Familial cancer of breast. Also called: BREAST CANCER, FAMILIAL; Hereditary breast cancer; hereditary breast carcinoma. Identifiers: Orphanet 227535, MedGen C0346153, MONDO:0016419, OMIM 114480. Disease mechanism: loss of function.
Pancreatic cancer, susceptibility to, 3. Identifiers: Orphanet 1333, MedGen C3150547, MONDO:0013236, OMIM 613348.
Hereditary cancer-predisposing syndrome. Also called: Tumor predisposition; Neoplastic Syndromes, Hereditary; Hereditary Cancer Syndrome; Hereditary neoplastic syndrome. Identifiers: Orphanet 140162, MedGen C0027672, MeSH D009386, MONDO:0015356.

Submissions (5):

Labcorp Genetics (formerly Invitae), Labcorp
Classification: Uncertain significance for Familial cancer of breast. Last evaluated: 2025-02-26. Review status: criteria provided, single submitter. Criteria: Invitae Variant Classification Sherloc (09022015). Collection method: clinical testing. Allele origin: germline.
Comment: This sequence change replaces glutamic acid, which is acidic and polar, with lysine, which is basic and polar, at codon 943 of the PALB2 protein (p.Glu943Lys). This variant is not present in population databases (gnomAD no frequency). This variant has not been reported in the literature in individuals affected with PALB2-related conditions. ClinVar contains an entry for this variant (Variation ID: 629080). Invitae Evidence Modeling of protein sequence and biophysical properties (such as structural, functional, and spatial information, amino acid conservation, physicochemical variation, residue mobility, and thermodynamic stability) indicates that this missense variant is expected to disrupt PALB2 protein function with a positive predictive value of 80%. In summary, the available evidence is currently insufficient to determine the role of this variant in disease. Therefore, it has been classified as a Variant of Uncertain Significance.

Ambry Genetics
Classification: Uncertain significance for Hereditary cancer-predisposing syndrome. Last evaluated: 2024-10-29. Review status: criteria provided, single submitter. Criteria: Ambry Variant Classification Scheme 2023. Collection method: clinical testing. Allele origin: germline.
Comment: The p.E943K variant (also known as c.2827G>A), located in coding exon 8 of the PALB2 gene, results from a G to A substitution at nucleotide position 2827. The glutamic acid at codon 943 is replaced by lysine, an amino acid with similar properties. This amino acid position is conserved. In addition, the in silico prediction for this alteration is inconclusive. Based on the available evidence, the clinical significance of this variant remains unclear.

Fulgent Genetics
Classification: Uncertain significance for Familial cancer of breast; Fanconi anemia complementation group N; Pancreatic cancer, susceptibility to, 3. Last evaluated: 2022-05-14. Review status: criteria provided, single submitter. Criteria: ACMG Guidelines, 2015. Collection method: clinical testing. Allele origin: unknown.

Color Diagnostics, LLC DBA Color Health
Classification: Uncertain significance for Hereditary cancer-predisposing syndrome. Last evaluated: 2021-11-29. Review status: criteria provided, single submitter. Criteria: ACMG Guidelines, 2015. Collection method: clinical testing. Allele origin: germline.
Comment: This missense variant replaces glutamic acid with lysine at codon 943 of the PALB2 protein. Computational prediction suggests that this variant may not impact protein structure and function (internally defined REVEL score threshold <= 0.5, PMID: 27666373). To our knowledge, functional studies have not been reported for this variant. This variant has not been reported in individuals affected with hereditary cancer in the literature. This variant has not been identified in the general population by the Genome Aggregation Database (gnomAD). The available evidence is insufficient to determine the role of this variant in disease conclusively. Therefore, this variant is classified as a Variant of Uncertain Significance.

Sema4
Classification: Uncertain significance for Hereditary cancer-predisposing syndrome. Last evaluated: 2021-05-13. Review status: criteria provided, single submitter. Criteria: Sema4 Curation Guidelines. Collection method: curation. Allele origin: germline.
Comment: The PALB2 c.2827G>A (p.E943K) variant has not been reported in the literature to our knowledge. This variant was not observed in the large and broad cohorts of the Genome Aggregation Database (PMID: 32461654). This variant has been reported in in ClinVar (Variation ID 629080). In silico tools suggest the impact of the variant on protein function is inconclusive, though these predictions have not been confirmed by functional studies. The evidence is insufficient to meet ACMG/AMP criteria for classifying the variant as benign or pathogenic. Thus, the clinical significance of this variant is currently uncertain.